The following is an entry in ClinVar:

ClinVar aggregate classification (germline): Likely benign (1 of 4 stars; one submission).

Allele frequency attached by ClinVar (database versions not stated): gnomAD exomes 0.00001.

Submission:

Women's Health and Genetics/Laboratory Corporation of America, LabCorp
Classification: Likely benign. Last evaluated: 2023-09-12. Review status: criteria provided, single submitter. Criteria: LabCorp Variant Classification Summary - May 2015. Collection method: clinical testing. Allele origin: germline.
Comment: Variant summary: GH1 c.117T>C alters a conserved nucleotide resulting in a synonymous change. Consensus agreement among computation tools predict no significant impact on normal splicing. However, these predictions have yet to be confirmed by functional studies. The variant allele was found at a frequency of 8e-06 in 251480 control chromosomes. The available data on variant occurrences in the general population are insufficient to allow any conclusion about variant significance. To our knowledge, no occurrence of c.117T>C in individuals affected with Idiopathic Growth Hormone Deficiency and no experimental evidence demonstrating its impact on protein function have been reported. No submitters have cited clinical-significance assessments for this variant to ClinVar after 2014. Based on the evidence outlined above, the variant was classified as likely benign.

NM_000515.5(GH1):c.117T>C (p.Ala39=)

Genes: GH-LCR (growth hormone locus control region; plus strand), GH1 (growth hormone 1; minus strand). Cytogenetic location: 17q23.3.
Variant type: single nucleotide variant.
Coding change: c.117T>C on transcript NM_000515.5 (MANE Select); coding-DNA position 117, T replaced by C.
Protein change: p.Ala39=; no amino-acid change (alanine 39 retained).
Molecular consequence: synonymous variant.
Genome position (GRCh38, 1-based): chr17:63,918,400, A>G on the plus strand (T>C on the coding strand, the complement: GH1 is on the minus strand). VCF-style: chr17-63918400-A-G. GRCh37 (hg19) VCF-style: chr17-61995760-A-G.
Other names: c.117T>C, p.Ala39= (NM_022559.4, NM_022560.4).
Identifiers: ClinVar variation 2627201 (VCV002627201.1), dbSNP rs1400790739, ClinGen allele CA501347862.